The following is an entry in ClinVar:

ClinVar aggregate classification (germline): Uncertain significance (1 of 4 stars; one submission).

Submission:

Labcorp Genetics (formerly Invitae), Labcorp
Classification: Uncertain significance. Last evaluated: 2022-04-01. Review status: criteria provided, single submitter. Criteria: Invitae Variant Classification Sherloc (09022015). Collection method: clinical testing. Allele origin: germline.
Comment: This sequence change falls in intron 5 of the ACTN4 gene. It does not directly change the encoded amino acid sequence of the ACTN4 protein. This variant is not present in population databases (gnomAD no frequency). This variant has not been reported in the literature in individuals affected with ACTN4-related conditions. Algorithms developed to predict the effect of sequence changes on RNA splicing suggest that this variant may create or strengthen a splice site. In summary, the available evidence is currently insufficient to determine the role of this variant in disease. Therefore, it has been classified as a Variant of Uncertain Significance.

NM_004924.6(ACTN4):c.572+17G>A

Gene: ACTN4 (actinin alpha 4; plus strand). Cytogenetic location: 19q13.2.
Variant type: single nucleotide variant.
Coding change: c.572+17G>A on transcript NM_004924.6 (MANE Select); 17 bases into the intron after coding-DNA position 572, G replaced by A.
Molecular consequence: intron variant.
Genome position (GRCh38, 1-based): chr19:38,706,148, G>A. VCF-style: chr19-38706148-G-A. GRCh37 (hg19) VCF-style: chr19-39196788-G-A.
Other names: c.572+17G>A (NM_001322033.2).
Identifiers: ClinVar variation 2120586 (VCV002120586.4), dbSNP rs2515201174, ClinGen allele CA2580097193.